The following is an entry in ClinVar:

ClinVar aggregate classification (germline): Benign/Likely benign. Review status: criteria provided, multiple submitters, no conflicts (2 of 4 stars). 2 submissions from 2 submitters: Benign (1); Likely benign (1). Last evaluated 2024-09-18.

Allele frequency attached by ClinVar (database versions not stated): gnomAD 0.00006; TOPMed 0.00006; 1000 Genomes Project 30x 0.00016; 1000 Genomes Project 0.00020.
gnomAD v4.1: 86 of 1,614,150 alleles (0.0053%); highest among the groups gnomAD compares: East Asian, 0.0089%; 1 homozygote.

Submissions (2):

Labcorp Genetics (formerly Invitae), Labcorp
Classification: Benign. Last evaluated: 2024-09-18. Review status: criteria provided, single submitter. Criteria: Invitae Variant Classification Sherloc (09022015). Collection method: clinical testing. Allele origin: germline.

Laboratory for Molecular Medicine, Mass General Brigham Personalized Medicine
Classification: Likely benign. Last evaluated: 2017-08-23. Review status: criteria provided, single submitter. Criteria: LMM Criteria. Collection method: clinical testing. Allele origin: germline. Observed: 1 variant allele.
Comment: p.His1401His in exon 31 of MYH9: This variant is not expected to have clinical s ignificance because it does not alter an amino acid residue and is not located w ithin the splice consensus sequence. It has been identified in 0.03% (2/6614) of Finnish chromosomes by the Exome Aggregation Consortium (ExAC; dbSNP rs539186034).

NM_002473.6(MYH9):c.4203C>T (p.His1401=)

Gene: MYH9 (myosin heavy chain 9; minus strand). Cytogenetic location: 22q12.3.
Variant type: single nucleotide variant.
Coding change: c.4203C>T on transcript NM_002473.6 (MANE Select); coding-DNA position 4203, C replaced by T.
Protein change: p.His1401=; no amino-acid change (histidine 1401 retained).
Molecular consequence: synonymous variant.
Genome position (GRCh38, 1-based): chr22:36,292,127, G>A on the plus strand (C>T on the coding strand, the complement: MYH9 is on the minus strand). VCF-style: chr22-36292127-G-A. GRCh37 (hg19) VCF-style: chr22-36688173-G-A.
Identifiers: ClinVar variation 667131 (VCV000667131.7), dbSNP rs539186034, ClinGen allele CA10209430.